The following is an entry in ClinVar:

ClinVar aggregate classification (germline): Uncertain significance. Review status: criteria provided, multiple submitters, no conflicts (2 of 4 stars). 2 submissions from 2 submitters: Uncertain significance (2). Last evaluated 2025-05-27.

Conditions:
Inborn genetic diseases. Identifiers: MedGen C0950123, MeSH D030342.

Allele frequency attached by ClinVar (database versions not stated): ExAC 0.00001; gnomAD 0.00001; gnomAD exomes 0.00002; TOPMed 0.00002.
gnomAD v4.1: 25 of 1,614,142 alleles (0.0015%); highest among the groups gnomAD compares: Admixed American, 0.0083%; no homozygotes.

Submissions (2):

Labcorp Genetics (formerly Invitae), Labcorp
Classification: Uncertain significance. Last evaluated: 2025-05-27. Review status: criteria provided, single submitter. Criteria: Invitae Variant Classification Sherloc (09022015). Collection method: clinical testing. Allele origin: germline.
Comment: This sequence change replaces arginine, which is basic and polar, with histidine, which is basic and polar, at codon 72 of the GSN protein (p.Arg72His). This variant is present in population databases (rs766916675, gnomAD 0.02%). This variant has not been reported in the literature in individuals affected with GSN-related conditions. ClinVar contains an entry for this variant (Variation ID: 1400280). An algorithm developed to predict the effect of missense changes on protein structure and function (PolyPhen-2) suggests that this variant is likely to be disruptive. In summary, the available evidence is currently insufficient to determine the role of this variant in disease. Therefore, it has been classified as a Variant of Uncertain Significance.

Ambry Genetics
Classification: Uncertain significance for Inborn genetic diseases. Last evaluated: 2019-12-10. Review status: criteria provided, single submitter. Criteria: Ambry Variant Classification Scheme 2023. Collection method: clinical testing. Allele origin: germline.
Comment: The p.R72H variant (also known as c.215G>A), located in coding exon 2 of the GSN gene, results from a G to A substitution at nucleotide position 215. The arginine at codon 72 is replaced by histidine, an amino acid with highly similar properties. This amino acid position is highly conserved in available vertebrate species. In addition, the in silico prediction for this alteration is inconclusive. Since supporting evidence is limited at this time, the clinical significance of this alteration remains unclear.

NM_198252.3(GSN):c.62G>A (p.Arg21His)

Gene: GSN (gelsolin; plus strand). Cytogenetic location: 9q33.2.
Variant type: single nucleotide variant.
Coding change: c.62G>A on transcript NM_198252.3 (MANE Select); coding-DNA position 62, G replaced by A.
Protein change: p.Arg21His; replaces arginine 21 with histidine.
Molecular consequence: missense variant. On other transcripts: intron variant (1).
Genome position (GRCh38, 1-based): chr9:121,302,033, G>A. VCF-style: chr9-121302033-G-A. GRCh37 (hg19) VCF-style: chr9-124064311-G-A.
Other names: c.215G>A, p.Arg72His (NM_000177.5); c.62G>A, p.Arg21His (NM_001127662.2, NM_001127664.2, NM_001127665.2 and 10 more transcripts); c.170G>A, p.Arg57His (NM_001127663.2); c.95G>A, p.Arg32His (NM_001127666.2, NM_001127667.2, NM_001353063.2 and 13 more transcripts); c.113G>A, p.Arg38His (NM_001258029.2); c.86G>A, p.Arg29His (NM_001258030.2); c.134G>A, p.Arg45His (NM_001353076.2); c.-458-878G>A (NM_001353078.2); short protein forms R21H, R32H, R57H, R29H, R38H, R45H, R72H.
Identifiers: ClinVar variation 1400280 (VCV001400280.9), dbSNP rs766916675, ClinGen allele CA5220750.
Genomic context (GRCh38, chr9:121,302,033, plus strand): 5'-TGGTGGTGGAACACCCCGAGTTCCTCAAGGCAGGGAAGGAGCCTGGCCTGCAGATCTGGC[G>A]TGTGGAGAAGTTCGATCTGGTGCCCGTGCCCACCAACCTTTATGGAGACTTCTTCACGGG-3'
Protein context (NP_937895.1, residues 11-31): AGKEPGLQIW[Arg21His]VEKFDLVPVP